The following is an entry in ClinVar:

ClinVar aggregate classification (germline): Uncertain significance (1 of 4 stars; one submission).

Submission:

Labcorp Genetics (formerly Invitae), Labcorp
Classification: Uncertain significance. Last evaluated: 2022-11-01. Review status: criteria provided, single submitter. Criteria: Invitae Variant Classification Sherloc (09022015). Collection method: clinical testing. Allele origin: germline.
Comment: In summary, the available evidence is currently insufficient to determine the role of this variant in disease. Therefore, it has been classified as a Variant of Uncertain Significance. Advanced modeling of protein sequence and biophysical properties (such as structural, functional, and spatial information, amino acid conservation, physicochemical variation, residue mobility, and thermodynamic stability) performed at Invitae indicates that this missense variant is not expected to disrupt NSD1 protein function. This variant has not been reported in the literature in individuals affected with NSD1-related conditions. This variant is not present in population databases (gnomAD no frequency). This sequence change replaces lysine, which is basic and polar, with arginine, which is basic and polar, at codon 1871 of the NSD1 protein (p.Lys1871Arg).

NM_022455.5(NSD1):c.5612A>G (p.Lys1871Arg)

Gene: NSD1 (nuclear receptor binding SET domain protein 1; plus strand). Cytogenetic location: 5q35.3.
Variant type: single nucleotide variant.
Coding change: c.5612A>G on transcript NM_022455.5 (MANE Select); coding-DNA position 5612, A replaced by G.
Protein change: p.Lys1871Arg; replaces lysine 1871 with arginine.
Molecular consequence: missense variant.
Genome position (GRCh38, 1-based): chr5:177,273,774, A>G. VCF-style: chr5-177273774-A-G. GRCh37 (hg19) VCF-style: chr5-176700775-A-G.
Other names: c.4739A>G, p.Lys1580Arg (NM_001365684.2, NM_001409308.1, NM_001409309.1 and 1 more transcripts); c.5612A>G, p.Lys1871Arg (NM_001409301.1, NM_001409302.1, NM_001409303.1); c.5192A>G, p.Lys1731Arg (NM_001409304.1); c.4859A>G, p.Lys1620Arg (NM_001409305.1); c.4850A>G, p.Lys1617Arg (NM_001409306.1, NM_001409307.1); short protein forms K1580R, K1602R, K1617R, K1620R, K1731R, K1871R.
Identifiers: ClinVar variation 1713633 (VCV001713633.6), dbSNP rs2480749766, ClinGen allele CA362309136.